The following is an entry in ClinVar:

NM_001122630.2(CDKN1C):c.157G>A (p.Asp53Asn)

Gene: CDKN1C (cyclin dependent kinase inhibitor 1C; minus strand). Cytogenetic location: 11p15.4.
Variant type: single nucleotide variant.
Coding change: c.157G>A on transcript NM_001122630.2 (MANE Select); coding-DNA position 157, G replaced by A.
Protein change: p.Asp53Asn; replaces aspartic acid 53 with asparagine.
Molecular consequence: missense variant.
Genome position (GRCh38, 1-based): chr11:2,885,300, C>T on the plus strand (G>A on the coding strand, the complement: CDKN1C is on the minus strand). VCF-style: chr11-2885300-C-T. GRCh37 (hg19) VCF-style: chr11-2906530-C-T.
Other names: c.190G>A, p.Asp64Asn (NM_000076.2, NM_001362474.2); c.157G>A, p.Asp53Asn (NM_001122631.2, NM_001362475.2); short protein forms D64N, D53N.
Identifiers: ClinVar variation 1384388 (VCV001384388.6), dbSNP rs2133785931, ClinGen allele CA379147450.

ClinVar aggregate classification (germline): Uncertain significance (1 of 4 stars; one submission).

Conditions:
Beckwith-Wiedemann syndrome (BWS). Also called: Exomphalos macroglossia gigantism syndrome; EMG SYNDROME. Identifiers: Orphanet 116, MedGen C0004903, MONDO:0007534, OMIM 130650.

Submission:

Labcorp Genetics (formerly Invitae), Labcorp
Classification: Uncertain significance for Beckwith-Wiedemann syndrome. Last evaluated: 2023-05-10. Review status: criteria provided, single submitter. Criteria: Invitae Variant Classification Sherloc (09022015). Collection method: clinical testing. Allele origin: germline.
Comment: This sequence change replaces aspartic acid, which is acidic and polar, with asparagine, which is neutral and polar, at codon 64 of the CDKN1C protein (p.Asp64Asn). In summary, the available evidence is currently insufficient to determine the role of this variant in disease. Therefore, it has been classified as a Variant of Uncertain Significance. Advanced modeling of protein sequence and biophysical properties (such as structural, functional, and spatial information, amino acid conservation, physicochemical variation, residue mobility, and thermodynamic stability) performed at Invitae indicates that this missense variant is not expected to disrupt CDKN1C protein function. ClinVar contains an entry for this variant (Variation ID: 1384388). This variant has not been reported in the literature in individuals affected with CDKN1C-related conditions. This variant is not present in population databases (gnomAD no frequency).